The following is an entry in ClinVar:

NM_000632.4(ITGAM):c.2227T>C (p.Ser743Pro)

Gene: ITGAM (integrin subunit alpha M; plus strand). Cytogenetic location: 16p11.2.
Variant type: single nucleotide variant.
Coding change: c.2227T>C on transcript NM_000632.4 (MANE Select); coding-DNA position 2227, T replaced by C.
Protein change: p.Ser743Pro; replaces serine 743 with proline.
Molecular consequence: missense variant.
Genome position (GRCh38, 1-based): chr16:31,324,720, T>C. VCF-style: chr16-31324720-T-C. GRCh37 (hg19) VCF-style: chr16-31336041-T-C.
Other names: c.2230T>C, p.Ser744Pro (NM_001145808.2); short protein forms S743P, S744P.
Identifiers: ClinVar variation 3613111 (VCV003613111.2).

ClinVar aggregate classification (germline): Uncertain significance (1 of 4 stars; one submission).

Submission:

Labcorp Genetics (formerly Invitae), Labcorp
Classification: Uncertain significance. Last evaluated: 2024-02-18. Review status: criteria provided, single submitter. Criteria: Invitae Variant Classification Sherloc (09022015). Collection method: clinical testing. Allele origin: germline.
Comment: This sequence change replaces serine, which is neutral and polar, with proline, which is neutral and non-polar, at codon 743 of the ITGAM protein (p.Ser743Pro). This variant is present in population databases (rs554211440, gnomAD 0.01%). This variant has not been reported in the literature in individuals affected with ITGAM-related conditions. Algorithms developed to predict the effect of missense changes on protein structure and function output the following: SIFT: "Not Available"; PolyPhen-2: "Benign"; Align-GVGD: "Not Available". The proline amino acid residue is found in multiple mammalian species, which suggests that this missense change does not adversely affect protein function. In summary, the available evidence is currently insufficient to determine the role of this variant in disease. Therefore, it has been classified as a Variant of Uncertain Significance.